The following is an entry in ClinVar:

ClinVar aggregate classification (germline): Uncertain significance (1 of 4 stars; one submission).

Conditions:
Hermansky-Pudlak syndrome 9 (HPS9). Identifiers: Orphanet 280663, Orphanet 79430, MedGen C3280026, MONDO:0013606, OMIM 614171.

Submission:

Baylor Genetics
Classification: Uncertain significance for Hermansky-Pudlak syndrome 9. Last evaluated: 2018-01-31. Review status: criteria provided, single submitter. Criteria: ACMG Guidelines, 2015. Collection method: clinical testing. Allele origin: paternal. Affected: yes.
Comment: This variant was determined to be of uncertain significance according to ACMG Guidelines, 2015 [PMID:25741868].

NM_012388.4(BLOC1S6):c.82+12C>T

Gene: BLOC1S6 (biogenesis of lysosomal organelles complex 1 subunit 6; plus strand). Cytogenetic location: 15q21.1.
Variant type: single nucleotide variant.
Coding change: c.82+12C>T on transcript NM_012388.4 (MANE Select); 12 bases into the intron after coding-DNA position 82, C replaced by T.
Molecular consequence: intron variant.
Genome position (GRCh38, 1-based): chr15:45,587,537, C>T. VCF-style: chr15-45587537-C-T. GRCh37 (hg19) VCF-style: chr15-45879735-C-T.
Identifiers: ClinVar variation 1033228 (VCV001033228.1), dbSNP rs763484836, ClinGen allele CA2174143902.